The following is an entry in ClinVar:

NM_006767.4(LZTR1):c.515C>T (p.Pro172Leu)

Gene: LZTR1 (leucine zipper like post translational regulator 1; plus strand). Cytogenetic location: 22q11.21.
Variant type: single nucleotide variant.
Coding change: c.515C>T on transcript NM_006767.4 (MANE Select); coding-DNA position 515, C replaced by T.
Protein change: p.Pro172Leu; replaces proline 172 with leucine.
Molecular consequence: missense variant.
Genome position (GRCh38, 1-based): chr22:20,988,794, C>T. VCF-style: chr22-20988794-C-T. GRCh37 (hg19) VCF-style: chr22-21343083-C-T.
Other names: short protein forms P172L.
Identifiers: ClinVar variation 1745710 (VCV001745710.8), dbSNP rs1924494428, ClinGen allele CA410780087.

ClinVar aggregate classification (germline): Uncertain significance. Review status: criteria provided, multiple submitters, no conflicts (2 of 4 stars). 2 submissions from 2 submitters: Uncertain significance (2). Last evaluated 2025-09-18.

Conditions:
Cardiovascular phenotype. Identifiers: MedGen CN230736.
Hereditary cancer-predisposing syndrome. Also called: Hereditary Cancer Syndrome; Neoplastic Syndromes, Hereditary; Tumor predisposition; Hereditary neoplastic syndrome. Identifiers: Orphanet 140162, MedGen C0027672, MeSH D009386, MONDO:0015356.

Allele frequency attached by ClinVar (database versions not stated): gnomAD exomes below 0.00001; TOPMed below 0.00001; gnomAD 0.00001.
gnomAD v4.1: 2 of 1,613,710 alleles (0.00012%); highest among the groups gnomAD compares: East Asian, 0.0022%; no homozygotes.

Submissions (2):

Ambry Genetics
Classification: Uncertain significance for Cardiovascular phenotype; Hereditary cancer-predisposing syndrome. Last evaluated: 2025-09-18. Review status: criteria provided, single submitter. Criteria: Ambry Variant Classification Scheme 2023. Collection method: clinical testing. Allele origin: germline.
Comment: The p.P172L variant (also known as c.515C>T), located in coding exon 6 of the LZTR1 gene, results from a C to T substitution at nucleotide position 515. The proline at codon 172 is replaced by leucine, an amino acid with similar properties. This amino acid position is conserved. In addition, this alteration is predicted to be deleterious by in silico analysis. Based on the available evidence, the clinical significance of this variant remains unclear.

Labcorp Genetics (formerly Invitae), Labcorp
Classification: Uncertain significance. Last evaluated: 2025-08-24. Review status: criteria provided, single submitter. Criteria: Invitae Variant Classification Sherloc (09022015). Collection method: clinical testing. Allele origin: germline.
Comment: This sequence change replaces proline, which is neutral and non-polar, with leucine, which is neutral and non-polar, at codon 172 of the LZTR1 protein (p.Pro172Leu). This variant is not present in population databases (gnomAD no frequency). This variant has not been reported in the literature in individuals affected with LZTR1-related conditions. ClinVar contains an entry for this variant (Variation ID: 1745710). Invitae Evidence Modeling of protein sequence and biophysical properties (such as structural, functional, and spatial information, amino acid conservation, physicochemical variation, residue mobility, and thermodynamic stability) indicates that this missense variant is not expected to disrupt LZTR1 protein function with a negative predictive value of 80%. In summary, the available evidence is currently insufficient to determine the role of this variant in disease. Therefore, it has been classified as a Variant of Uncertain Significance.